The following is an entry in ClinVar:

ClinVar aggregate classification (germline): Uncertain significance. Review status: criteria provided, multiple submitters, no conflicts (2 of 4 stars). 2 submissions from 2 submitters: Uncertain significance (2). Last evaluated 2023-12-15.

Conditions:
Inborn genetic diseases. Identifiers: MedGen C0950123, MeSH D030342.

Allele frequency attached by ClinVar (database versions not stated): ExAC 0.00001; gnomAD 0.00001; gnomAD exomes 0.00001 and 0.00002; TOPMed 0.00002.
gnomAD v4.1: 30 of 1,612,880 alleles (0.0019%); highest among the groups gnomAD compares: East Asian, 0.022%; no homozygotes.

Submissions (2):

Ambry Genetics
Classification: Uncertain significance for Inborn genetic diseases. Last evaluated: 2023-12-15. Review status: criteria provided, single submitter. Criteria: Ambry Variant Classification Scheme 2023. Collection method: clinical testing. Allele origin: germline.

GeneDx
Classification: Uncertain significance. Last evaluated: 2019-08-07. Review status: criteria provided, single submitter. Criteria: GeneDx Variant Classification Process June 2021. Collection method: clinical testing. Allele origin: germline. Affected: yes.
Comment: In silico analysis, which includes protein predictors and evolutionary conservation, supports a deleterious effect; Has not been previously published as pathogenic or benign to our knowledge

NM_021252.5(RAB18):c.95C>T (p.Thr32Met)

Gene: RAB18 (RAB18, member RAS oncogene family; plus strand). Cytogenetic location: 10p12.1.
Variant type: single nucleotide variant.
Coding change: c.95C>T on transcript NM_021252.5 (MANE Select); coding-DNA position 95, C replaced by T.
Protein change: p.Thr32Met; replaces threonine 32 with methionine.
Molecular consequence: missense variant. On other transcripts: non-coding transcript variant (1).
Genome position (GRCh38, 1-based): chr10:27,509,901, C>T. VCF-style: chr10-27509901-C-T. GRCh37 (hg19) VCF-style: chr10-27798830-C-T.
Other names: c.95C>T, p.Thr32Met (NM_001256410.2, NM_001256411.2, NM_001256412.2); c.95C>T (NM_021252.3); short protein forms T32M.
Identifiers: ClinVar variation 1307544 (VCV001307544.3), dbSNP rs762941564, ClinGen allele CA5452233.